The following is an entry in ClinVar:

ClinVar aggregate classification (germline): Uncertain significance (1 of 4 stars; one submission).

gnomAD v4.1: 1 of 1,614,200 alleles (0.000062%); highest among the groups gnomAD compares: African/African-American, 0.0013%; no homozygotes.

Submission:

Ambry Genetics
Classification: Uncertain significance. Last evaluated: 2025-12-09. Review status: criteria provided, single submitter. Criteria: Ambry Variant Classification Scheme 2023. Collection method: clinical testing. Allele origin: germline.
Comment: The p.E170Q variant (also known as c.508G>C), located in coding exon 5 of the KIF1B gene, results from a G to C substitution at nucleotide position 508. The glutamic acid at codon 170 is replaced by glutamine, an amino acid with highly similar properties. This amino acid position is conserved. In addition, this alteration is predicted to be deleterious by in silico analysis. Since supporting evidence is limited at this time, the clinical significance of this alteration remains unclear.

NM_001365951.3(KIF1B):c.508G>C (p.Glu170Gln)

Gene: KIF1B (kinesin family member 1B; plus strand). Cytogenetic location: 1p36.22.
Variant type: single nucleotide variant.
Coding change: c.508G>C on transcript NM_001365951.3 (MANE Select); coding-DNA position 508, G replaced by C.
Protein change: p.Glu170Gln; replaces glutamic acid 170 with glutamine.
Molecular consequence: missense variant.
Genome position (GRCh38, 1-based): chr1:10,267,458, G>C. VCF-style: chr1-10267458-G-C. GRCh37 (hg19) VCF-style: chr1-10327516-G-C.
Other names: c.508G>C, p.Glu170Gln (NM_001365952.1, NM_001365953.1, NM_015074.3 and 1 more transcripts); short protein forms E170Q.
Identifiers: ClinVar variation 1745265 (VCV001745265.3), dbSNP rs2521042169, ClinGen allele CA338329371.
Genomic context (GRCh38, chr1:10,267,458, plus strand): 5'-TACTGTGAAAGAGTACGAGATTTGCTGAATCCAAAAAACAAGGGTAATTTGCGTGTGCGT[G>C]AACACCCACTTCTTGGACCCTATGTGGAGGATCTGTCCAAGTTGGCAGTTACTTCCTACA-3'
Protein context (NP_001352880.1, residues 160-180): PKNKGNLRVR[Glu170Gln]HPLLGPYVED